The following is an entry in ClinVar:

ClinVar aggregate classification (germline): Uncertain significance (1 of 4 stars; one submission).

Conditions:
Primary ciliary dyskinesia. Also called: Ciliary dyskinesia. Identifiers: Orphanet 244, MedGen C0008780, MONDO:0016575, HP:0012265.

Allele frequency attached by ClinVar (database versions not stated): 1000 Genomes Project 30x 0.00031; 1000 Genomes Project 0.00040; ExAC 0.00001; gnomAD exomes 0.00002; TOPMed 0.00002; gnomAD 0.00003 and 0.00004.
gnomAD v4.1: 27 of 1,604,904 alleles (0.0017%); highest among the groups gnomAD compares: East Asian, 0.014%; no homozygotes.

Submission:

Labcorp Genetics (formerly Invitae), Labcorp
Classification: Uncertain significance for Primary ciliary dyskinesia. Last evaluated: 2025-12-11. Review status: criteria provided, single submitter. Criteria: Invitae Variant Classification Sherloc (09022015). Collection method: clinical testing. Allele origin: germline.
Comment: This sequence change replaces proline, which is neutral and non-polar, with threonine, which is neutral and polar, at codon 2640 of the DNAH8 protein (p.Pro2640Thr). This variant is present in population databases (rs575069902, gnomAD 0.006%). This variant has not been reported in the literature in individuals affected with DNAH8-related conditions. ClinVar contains an entry for this variant (Variation ID: 834180). Invitae Evidence Modeling of protein sequence and biophysical properties (such as structural, functional, and spatial information, amino acid conservation, physicochemical variation, residue mobility, and thermodynamic stability) indicates that this missense variant is not expected to disrupt DNAH8 protein function with a negative predictive value of 80%. In summary, the available evidence is currently insufficient to determine the role of this variant in disease. Therefore, it has been classified as a Variant of Uncertain Significance.

NM_001206927.2(DNAH8):c.7918C>A (p.Pro2640Thr)

Gene: DNAH8 (dynein axonemal heavy chain 8; plus strand). Cytogenetic location: 6p21.2.
Variant type: single nucleotide variant.
Coding change: c.7918C>A on transcript NM_001206927.2 (MANE Select); coding-DNA position 7918, C replaced by A.
Protein change: p.Pro2640Thr; replaces proline 2640 with threonine.
Molecular consequence: missense variant.
Genome position (GRCh38, 1-based): chr6:38,882,969, C>A. VCF-style: chr6-38882969-C-A. GRCh37 (hg19) VCF-style: chr6-38850745-C-A.
Other names: c.7267C>A, p.Pro2423Thr (NM_001371.4); short protein forms P2423T, P2640T.
Identifiers: ClinVar variation 834180 (VCV000834180.8), dbSNP rs575069902, ClinGen allele CA3790045.